The following is an entry in ClinVar:

ClinVar aggregate classification (germline): Uncertain significance. Review status: criteria provided, multiple submitters, no conflicts (2 of 4 stars). 2 submissions from 2 submitters: Uncertain significance (2). Last evaluated 2020-02-26.

Conditions:
Dilated cardiomyopathy 1G (CMD1G). Identifiers: Orphanet 154, MedGen C1858763, MONDO:0011400, OMIM 604145.
Autosomal recessive limb-girdle muscular dystrophy type 2J (LGMDR10). Also called: Limb-girdle muscular dystrophy, type 2J; MUSCULAR DYSTROPHY, LIMB-GIRDLE, AUTOSOMAL RECESSIVE 10. Identifiers: Orphanet 140922, MedGen C1837342, MONDO:0012127, OMIM 608807.
Cardiovascular phenotype. Identifiers: MedGen CN230736.

Allele frequency attached by ClinVar (database versions not stated): gnomAD exomes below 0.00001 and 0.00001; TOPMed below 0.00001; ExAC 0.00001; gnomAD 0.00001.
gnomAD v4.1: 8 of 1,607,888 alleles (0.0005%); highest among the groups gnomAD compares: Non-Finnish European, 0.00068%; no homozygotes.

Submissions (2):

Ambry Genetics
Classification: Uncertain significance for Cardiovascular phenotype. Last evaluated: 2020-02-26. Review status: criteria provided, single submitter. Criteria: Ambry Variant Classification Scheme 2023. Collection method: clinical testing. Allele origin: germline.
Comment: The p.D5496Y variant (also known as c.16486G>T), located in coding exon 63 of the TTN gene, results from a G to T substitution at nucleotide position 16486. The aspartic acid at codon 5496 is replaced by tyrosine, an amino acid with highly dissimilar properties. This amino acid position is highly conserved in available vertebrate species. In addition, the in silico prediction for this alteration is inconclusive. Since supporting evidence is limited at this time, the clinical significance of this alteration remains unclear.

Labcorp Genetics (formerly Invitae), Labcorp
Classification: Uncertain significance for Dilated cardiomyopathy 1G; Autosomal recessive limb-girdle muscular dystrophy type 2J. Last evaluated: 2016-11-11. Review status: criteria provided, single submitter. Criteria: Invitae Variant Classification Sherloc (09022015). Collection method: clinical testing. Allele origin: germline.

NM_001267550.2(TTN):c.43681G>T (p.Asp14561Tyr)

Gene: TTN (titin; minus strand). Cytogenetic location: 2q31.2.
Variant type: single nucleotide variant.
Coding change: c.43681G>T on transcript NM_001267550.2 (MANE Select); coding-DNA position 43681, G replaced by T.
Protein change: p.Asp14561Tyr; replaces aspartic acid 14561 with tyrosine.
Molecular consequence: missense variant.
Genome position (GRCh38, 1-based): chr2:178,632,213, C>A on the plus strand (G>T on the coding strand, the complement: TTN is on the minus strand). VCF-style: chr2-178632213-C-A. GRCh37 (hg19) VCF-style: chr2-179496940-C-A.
Other names: c.38758G>T, p.Asp12920Tyr (NM_001256850.1); c.16486G>T, p.Asp5496Tyr (NM_003319.4); c.35977G>T, p.Asp11993Tyr (NM_133378.4); c.16861G>T, p.Asp5621Tyr (NM_133432.3); c.17062G>T, p.Asp5688Tyr (NM_133437.4); short protein forms D14561Y, D12920Y, D5688Y, D5496Y, D5621Y, D11993Y.
Identifiers: ClinVar variation 404870 (VCV000404870.5), dbSNP rs745655055, ClinGen allele CA1995820.